The following is an entry in ClinVar:

ClinVar aggregate classification (germline): Uncertain significance (1 of 4 stars; one submission).

Allele frequency attached by ClinVar (database versions not stated): gnomAD 0.00001; TOPMed 0.00005; ExAC 0.00006.
gnomAD v4.1: 23 of 1,612,682 alleles (0.0014%); highest among the groups gnomAD compares: Admixed American, 0.028%; no homozygotes.

Submission:

Labcorp Genetics (formerly Invitae), Labcorp
Classification: Uncertain significance. Last evaluated: 2022-06-07. Review status: criteria provided, single submitter. Criteria: Invitae Variant Classification Sherloc (09022015). Collection method: clinical testing. Allele origin: germline.
Comment: This sequence change replaces threonine, which is neutral and polar, with proline, which is neutral and non-polar, at codon 645 of the SAMD11 protein (p.Thr645Pro). This variant is present in population databases (rs753495417, gnomAD 0.04%). This variant has not been reported in the literature in individuals affected with SAMD11-related conditions. Algorithms developed to predict the effect of missense changes on protein structure and function output the following: SIFT: "Tolerated"; PolyPhen-2: "Benign"; Align-GVGD: "Class C0". The proline amino acid residue is found in multiple mammalian species, which suggests that this missense change does not adversely affect protein function. In summary, the available evidence is currently insufficient to determine the role of this variant in disease. Therefore, it has been classified as a Variant of Uncertain Significance.

NM_001385641.1(SAMD11):c.2422A>C (p.Thr808Pro)

Gene: SAMD11 (sterile alpha motif domain containing 11; plus strand). Cytogenetic location: 1p36.33.
Variant type: single nucleotide variant.
Coding change: c.2422A>C on transcript NM_001385641.1 (MANE Select); coding-DNA position 2422, A replaced by C.
Protein change: p.Thr808Pro; replaces threonine 808 with proline.
Molecular consequence: missense variant.
Genome position (GRCh38, 1-based): chr1:944,040, A>C. VCF-style: chr1-944040-A-C. GRCh37 (hg19) VCF-style: chr1-879420-A-C.
Other names: c.2425A>C, p.Thr809Pro (NM_001385640.1); c.1933A>C, p.Thr645Pro (NM_152486.4); short protein forms T645P, T808P, T809P.
Identifiers: ClinVar variation 2142221 (VCV002142221.1), dbSNP rs753495417, ClinGen allele CA503398.
Genomic context (GRCh38, chr1:944,040, plus strand): 5'-CTGCGGGCCCCGGAGCGAGAACTCGGCACAGGAGAGCAGCCCTTGTCCCCCACGACGGCC[A>C]CGTCCCCCTATGGAGGGGGCCACGCCCTTGCCGGTCAAACTTCACCCAAGCAGGAGAATG-3'
Protein context (NP_001372570.1, residues 798-818): GEQPLSPTTA[Thr808Pro]SPYGGGHALA